The following is an entry in ClinVar:

ClinVar aggregate classification (germline): Likely benign. Review status: criteria provided, multiple submitters, no conflicts (2 of 4 stars). 6 submissions from 6 submitters: Likely benign (6). Last evaluated 2026-01-08.

Conditions:
Familial thoracic aortic aneurysm and aortic dissection (TAAD). Also called: Thoracic aortic aneurysms and dissections. Identifiers: Orphanet 91387, MedGen C4707243, MONDO:0019625.
Aortic aneurysm, familial thoracic 4 (AAT4). Also called: AORTIC ANEURYSM/AORTIC DISSECTION AND PATENT DUCTUS ARTERIOSUS. Identifiers: MedGen C1851504, MONDO:0007568, OMIM 132900.

Allele frequency attached by ClinVar (database versions not stated): gnomAD 0.00001 and 0.00002; gnomAD exomes 0.00003; TOPMed 0.00003; ExAC 0.00005; ESP Exome Variant Server 0.00008.
gnomAD v4.1: 68 of 1,614,056 alleles (0.0042%); highest among the groups gnomAD compares: Non-Finnish European, 0.0057%; no homozygotes.

Submissions (6):

Labcorp Genetics (formerly Invitae), Labcorp
Classification: Likely benign for Aortic aneurysm, familial thoracic 4. Last evaluated: 2026-01-08. Review status: criteria provided, single submitter. Criteria: Invitae Variant Classification Sherloc (09022015). Collection method: clinical testing. Allele origin: germline.

Blueprint Genetics
Classification: Likely benign. Last evaluated: 2024-11-07. Review status: criteria provided, single submitter. Criteria: ACMG Guidelines, 2015. Collection method: clinical testing. Allele origin: germline.

All of Us Research Program, National Institutes of Health
Classification: Likely benign for Familial thoracic aortic aneurysm and aortic dissection. Last evaluated: 2023-12-13. Review status: criteria provided, single submitter. Criteria: ACMG Guidelines, 2015. Collection method: clinical testing. Allele origin: germline. Inheritance: Autosomal dominant inheritance. Observed: 10 variant alleles, 10 heterozygotes.
Comment: This study involves interpretation of variants in research participants for the purpose of population health screening. Participant phenotype was not available at the time of variant classification. Additional details can be found in publication PMID: 35346344, PMCID: PMC8962531

Ambry Genetics
Classification: Likely benign for Familial thoracic aortic aneurysm and aortic dissection. Last evaluated: 2021-10-06. Review status: criteria provided, single submitter. Criteria: Ambry Variant Classification Scheme 2023. Collection method: clinical testing. Allele origin: germline.

Color Diagnostics, LLC DBA Color Health
Classification: Likely benign for Familial thoracic aortic aneurysm and aortic dissection. Last evaluated: 2018-12-16. Review status: criteria provided, single submitter. Criteria: ACMG Guidelines, 2015. Collection method: clinical testing. Allele origin: germline.

GeneDx
Classification: Likely benign. Last evaluated: 2018-08-27. Review status: criteria provided, single submitter. Criteria: GeneDx Variant Classification Process June 2021. Collection method: clinical testing. Allele origin: germline. Affected: yes.

NM_002474.3(MYH11):c.1185C>G (p.Ser395=)

Gene: MYH11 (myosin heavy chain 11; minus strand). Cytogenetic location: 16p13.11.
Variant type: single nucleotide variant.
Coding change: c.1185C>G on transcript NM_002474.3 (MANE Select); coding-DNA position 1185, C replaced by G.
Protein change: p.Ser395=; no amino-acid change (serine 395 retained).
Molecular consequence: synonymous variant.
Genome position (GRCh38, 1-based): chr16:15,760,603, G>C on the plus strand (C>G on the coding strand, the complement: MYH11 is on the minus strand). VCF-style: chr16-15760603-G-C. GRCh37 (hg19) VCF-style: chr16-15854460-G-C.
Other names: c.1206C>G, p.Ser402= (NM_001040113.2, NM_001040114.2); c.1185C>G, p.Ser395= (NM_022844.3).
Identifiers: ClinVar variation 381552 (VCV000381552.19), dbSNP rs377660115, ClinGen allele CA7922684.
Genomic context (GRCh38, chr16:15,760,603, plus strand): 5'-TTCTTTTGTCTGAGCTTTCTGTACCACATCTCGCCCAACCTTGATACGAGGAGTGAGGAT[G>C]GATCTGGTGAAATCTGTCACATTAATTCCCATGAGGTGGCAAACTTTCTGAGCAGCTGGA-3'
Protein context (NP_002465.1, residues 385-405): MGINVTDFTR[Ser395=]ILTPRIKVGR